The following is an entry in ClinVar:

ClinVar aggregate classification (germline): Uncertain significance. Review status: criteria provided, multiple submitters, no conflicts (2 of 4 stars). 3 submissions from 3 submitters: Uncertain significance (3). Last evaluated 2025-10-20.

Conditions:
Hereditary cancer-predisposing syndrome. Also called: Tumor predisposition; Hereditary neoplastic syndrome; Hereditary Cancer Syndrome; Neoplastic Syndromes, Hereditary. Identifiers: Orphanet 140162, MedGen C0027672, MeSH D009386, MONDO:0015356.
Neurofibromatosis, type 2 (SWNV). Also called: BILATERAL ACOUSTIC NEUROFIBROMATOSIS; NF2-Related Schwannomatosis; SCHWANNOMATOSIS, VESTIBULAR. Identifiers: Orphanet 637, MedGen C0027832, MONDO:0007039, OMIM 101000. Disease mechanism: loss of function.

Allele frequency attached by ClinVar (database versions not stated): gnomAD exomes 0.00001.
gnomAD v4.1: 8 of 1,612,726 alleles (0.0005%); highest among the groups gnomAD compares: South Asian, 0.0077%; no homozygotes.

Submissions (3):

Labcorp Genetics (formerly Invitae), Labcorp
Classification: Uncertain significance for Neurofibromatosis, type 2. Last evaluated: 2025-10-20. Review status: criteria provided, single submitter. Criteria: Invitae Variant Classification Sherloc (09022015). Collection method: clinical testing. Allele origin: germline.
Comment: This sequence change replaces glutamic acid, which is acidic and polar, with glycine, which is neutral and non-polar, at codon 427 of the NF2 protein (p.Glu427Gly). The frequency data for this variant in the population databases is considered unreliable, as metrics indicate poor data quality at this position in the gnomAD database. This variant has not been reported in the literature in individuals affected with NF2-related conditions. ClinVar contains an entry for this variant (Variation ID: 2884693). Invitae Evidence Modeling of protein sequence and biophysical properties (such as structural, functional, and spatial information, amino acid conservation, physicochemical variation, residue mobility, and thermodynamic stability) indicates that this missense variant is expected to disrupt NF2 protein function with a positive predictive value of 80%. In summary, the available evidence is currently insufficient to determine the role of this variant in disease. Therefore, it has been classified as a Variant of Uncertain Significance.

Ambry Genetics
Classification: Uncertain significance for Hereditary cancer-predisposing syndrome. Last evaluated: 2024-12-12. Review status: criteria provided, single submitter. Criteria: Ambry Variant Classification Scheme 2023. Collection method: clinical testing. Allele origin: germline.
Comment: The p.E427G variant (also known as c.1280A>G), located in coding exon 12 of the NF2 gene, results from an A to G substitution at nucleotide position 1280. The glutamic acid at codon 427 is replaced by glycine, an amino acid with similar properties. This amino acid position is conserved. In addition, the in silico prediction for this alteration is inconclusive. Based on the available evidence, the clinical significance of this variant remains unclear.

GeneDx
Classification: Uncertain significance. Last evaluated: 2023-11-15. Review status: criteria provided, single submitter. Criteria: GeneDx Variant Classification Process June 2021. Collection method: clinical testing. Allele origin: germline. Affected: yes.
Comment: In silico analysis supports that this missense variant has a deleterious effect on protein structure/function; Has not been previously published as pathogenic or benign to our knowledge; This variant is associated with the following publications: (PMID: 16324214, 22482125, 17134719)

NM_000268.4(NF2):c.1280A>G (p.Glu427Gly)

Gene: NF2 (NF2, moesin-ezrin-radixin like (MERLIN) tumor suppressor; plus strand). Cytogenetic location: 22q12.2.
Variant type: single nucleotide variant.
Coding change: c.1280A>G on transcript NM_000268.4 (MANE Select); coding-DNA position 1280, A replaced by G.
Protein change: p.Glu427Gly; replaces glutamic acid 427 with glycine.
Molecular consequence: missense variant. On other transcripts: intron variant (1).
Genome position (GRCh38, 1-based): chr22:29,673,426, A>G. VCF-style: chr22-29673426-A-G. GRCh37 (hg19) VCF-style: chr22-30069415-A-G.
Other names: c.1166A>G, p.Glu389Gly (NM_001407053.1, NM_001407056.1); c.1157A>G, p.Glu386Gly (NM_001407054.1, NM_001407058.1, NM_181829.3); c.1154A>G, p.Glu385Gly (NM_001407055.1, NM_181828.3); c.1145A>G, p.Glu382Gly (NM_001407057.1, NM_001407059.1); c.1280A>G, p.Glu427Gly (NM_001407060.1, NM_001407066.1, NM_016418.5 and 2 more transcripts); c.1022A>G, p.Glu341Gly (NM_001407062.1); c.1031A>G, p.Glu344Gly (NM_001407063.1, NM_001407064.1, NM_181830.3 and 1 more transcripts); c.746A>G, p.Glu249Gly (NM_001407065.1); and 2 more; short protein forms E341G, E385G, E427G, E249G, E344G, E386G, E350G, E382G.
Identifiers: ClinVar variation 2884693 (VCV002884693.5), dbSNP rs760382219, ClinGen allele CA323116635.